The following is an entry in ClinVar:

NM_001004334.4(GPR179):c.2706_2707dup (p.Pro903fs)

Gene: GPR179 (G protein-coupled receptor 179; minus strand). Cytogenetic location: 17q12.
Variant type: Duplication.
Coding change: c.2706_2707dup on transcript NM_001004334.4 (MANE Select); coding-DNA positions 2706 to 2707, 2 bases duplicated (AC; older notation c.2706_2707dupAC).
Protein change: p.Pro903fs; shifts the reading frame from proline 903.
Molecular consequence: frameshift variant.
Genome position (GRCh38, 1-based): chr17:38,330,862-38,330,863, GT duplicated on the plus strand (AC on the coding strand, the reverse complement: GPR179 is on the minus strand); duplicating any 2 consecutive bases within chr17:38,330,862-38,330,864 gives the same sequence; the c. name uses the placement nearest the transcript's 3' end. VCF-style (leftmost placement, unchanged base first): chr17-38330861-G-GGT. GRCh37 (hg19) VCF-style: chr17-36486744-G-GGT.
Other names: short protein forms P903fs.
Identifiers: ClinVar variation 505393 (VCV000505393.9), dbSNP rs1200683561, ClinGen allele CA658798827.

ClinVar aggregate classification (germline): Conflicting classifications of pathogenicity. Review status: criteria provided, conflicting classifications (1 of 4 stars). 3 submissions from 3 submitters: Likely pathogenic (1); Uncertain significance (2). Last evaluated 2023-10-13.

Conditions:
Congenital stationary night blindness. Also called: Early-onset non-progressive night blindness. Identifiers: Orphanet 215, MedGen C0339535, MONDO:0016293, HP:0007642.

Submissions (3):

Blueprint Genetics
Classification: Uncertain significance. Last evaluated: 2023-10-13. Review status: criteria provided, single submitter. Criteria: ACMG Guidelines, 2015. Collection method: clinical testing. Allele origin: germline.

Labcorp Genetics (formerly Invitae), Labcorp
Classification: Uncertain significance. Last evaluated: 2023-07-21. Review status: criteria provided, single submitter. Criteria: Invitae Variant Classification Sherloc (09022015). Collection method: clinical testing. Allele origin: germline.
Comment: In summary, the available evidence is currently insufficient to determine the role of this variant in disease. Therefore, it has been classified as a Variant of Uncertain Significance. Experimental studies and prediction algorithms are not available or were not evaluated, and the functional significance of this variant is currently unknown. ClinVar contains an entry for this variant (Variation ID: 505393). This variant has not been reported in the literature in individuals affected with GPR179-related conditions. This variant is not present in population databases (gnomAD no frequency). This sequence change creates a premature translational stop signal (p.Pro903Hisfs*67) in the GPR179 gene. While this is not anticipated to result in nonsense mediated decay, it is expected to disrupt the last 1465 amino acid(s) of the GPR179 protein.

Laboratory for Molecular Medicine, Mass General Brigham Personalized Medicine
Classification: Likely pathogenic for Congenital stationary night blindness. Last evaluated: 2017-01-24. Review status: criteria provided, single submitter. Criteria: LMM Criteria. Collection method: clinical testing. Allele origin: germline. Inheritance: Autosomal recessive inheritance. Observed: 1 variant allele.
Comment: The p.Pro903HisfsX67 (NM_001004334.2 c.2706_2707dupAC) variant in GPR179 has not been previously reported in individuals with congenital stationary night blindn ess and was absent from large population studies. This variant is predicted to c ause a frameshift, which alters the protein?s amino acid sequence beginning at p osition 903 and leads to a premature termination codon 67 amino acids downstream . This alteration is then predicted to lead to a truncated or absent protein. Bi allelic loss of function of the GPR179 gene has been associated with congenital stationary night blindness. In summary, although additional studies are require d to fully establish a null effect on the protein, the p.Pro903HisfsX67 variant is likely pathogenic for congenital stationary night blindness in an autosomal r ecessive manner based upon its predicted functional impact.